The following is an entry in ClinVar:

NM_001018113.3(FANCB):c.1817G>A (p.Ser606Asn)

Gene: FANCB (FA complementation group B; minus strand). Cytogenetic location: Xp22.2.
Variant type: single nucleotide variant.
Coding change: c.1817G>A on transcript NM_001018113.3 (MANE Select); coding-DNA position 1817, G replaced by A.
Protein change: p.Ser606Asn; replaces serine 606 with asparagine.
Molecular consequence: missense variant.
Genome position (GRCh38, 1-based): chrX:14,844,966, C>T on the plus strand (G>A on the coding strand, the complement: FANCB is on the minus strand). VCF-style: chrX-14844966-C-T. GRCh37 (hg19) VCF-style: chrX-14863088-C-T.
Other names: c.1817G>A, p.Ser606Asn (NM_001324162.2, NM_152633.4); short protein forms S606N.
Identifiers: ClinVar variation 368023 (VCV000368023.43), dbSNP rs148560784, ClinGen allele CA10352999.

ClinVar aggregate classification (germline): Likely benign. Review status: criteria provided, multiple submitters, no conflicts (2 of 4 stars). 5 submissions from 4 submitters: Likely benign (5). Last evaluated 2026-02-01.

Conditions:
VACTERL association, X-linked, with or without hydrocephalus (VACTERLX). Also called: X-linked VACTERL-H syndrome; VACTERL ASSOCIATION, X-LINKED; VACTERL Association with Hydrocephalus, X-linked; VACTERL-H, X-LINKED. Identifiers: Orphanet 3412, MedGen C2931228, MONDO:0010752, OMIM 314390.
Fanconi anemia (FA). Also called: Fanconi's anemia. Identifiers: Orphanet 84, MedGen C0015625, MeSH D005199, MONDO:0019391.
Fanconi anemia complementation group B (FANCB). Also called: FANCB-Related Fanconi Anemia; FANCONI PANCYTOPENIA, TYPE 2. Identifiers: Orphanet 84, MedGen C1845292, MONDO:0010351, OMIM 300514.

Allele frequency attached by ClinVar (database versions not stated): gnomAD exomes 0.00003 and 0.00006; ExAC 0.00007; gnomAD 0.00008 and 0.00009; TOPMed 0.00013; ESP Exome Variant Server 0.00019.
gnomAD v4.1: 47 of 1,203,748 alleles (0.0039%); highest among the groups gnomAD compares: Middle Eastern, 0.046%; no homozygotes.

Submissions (5):

Labcorp Genetics (formerly Invitae), Labcorp
Classification: Likely benign for Fanconi anemia. Last evaluated: 2026-02-01. Review status: criteria provided, single submitter. Criteria: Invitae Variant Classification Sherloc (09022015). Collection method: clinical testing. Allele origin: germline.

Blueprint Genetics
Classification: Likely benign. Last evaluated: 2024-10-10. Review status: criteria provided, single submitter. Criteria: ACMG Guidelines, 2015. Collection method: clinical testing. Allele origin: germline.

CeGaT Center for Human Genetics Tuebingen
Classification: Likely benign. Last evaluated: 2024-06-01. Review status: criteria provided, single submitter. Criteria: CeGaT Center For Human Genetics Tuebingen Variant Classification Criteria Version 2. Collection method: clinical testing. Allele origin: germline. Affected: yes. Observed: 3 variant alleles.
Comment: FANCB: BP4, BS2

Illumina Laboratory Services, Illumina
Classification: Likely benign for VACTERL association with hydrocephaly, X-linked. Last evaluated: 2018-01-13. Review status: criteria provided, single submitter. Criteria: ICSL Variant Classification Criteria 13 December 2019. Collection method: clinical testing. Allele origin: germline.
Comment: This variant was observed in the ICSL laboratory as part of a predisposition screen in an ostensibly healthy population. It had not been previously curated by ICSL or reported in the Human Gene Mutation Database (HGMD: prior to June 1st, 2018), and was therefore a candidate for classification through an automated scoring system. Utilizing variant allele frequency, disease prevalence and penetrance estimates, and inheritance mode, an automated score was calculated to assess if this variant is too frequent to cause the disease. Based on the score and internal cut-off values, a variant classified as likely benign is not then subjected to further curation. The score for this variant resulted in a classification of likely benign for this disease.

Illumina Laboratory Services, Illumina
Classification: Likely benign for Fanconi anemia complementation group B. Last evaluated: 2018-01-13. Review status: criteria provided, single submitter. Criteria: ICSL Variant Classification Criteria 13 December 2019. Collection method: clinical testing. Allele origin: germline.
Comment: the same text as in the submission from Illumina Laboratory Services, Illumina above.